The following is an entry in ClinVar:

ClinVar aggregate classification (germline): Uncertain significance (0 of 4 stars; one submission).

Conditions:
CHRNG-related disorder. Also called: CHRNG-related condition; CHRNG-related disorders.

Submission:

PreventionGenetics, part of Exact Sciences
Classification: Uncertain significance for CHRNG-related condition. Last evaluated: 2024-05-22. Review status: no assertion criteria provided. Collection method: clinical testing. Allele origin: germline.
Comment: The CHRNG c.382T>C variant is predicted to result in the amino acid substitution p.Cys128Arg. To our knowledge, this variant has not been reported in the literature. This variant is reported in 0.017% of alleles in individuals of Latino descent in gnomAD. At this time, the clinical significance of this variant is uncertain due to the absence of conclusive functional and genetic evidence.

NM_005199.5(CHRNG):c.382T>C (p.Cys128Arg)

Gene: CHRNG (cholinergic receptor nicotinic gamma subunit; plus strand). Cytogenetic location: 2q37.1.
Variant type: single nucleotide variant.
Coding change: c.382T>C on transcript NM_005199.5 (MANE Select); coding-DNA position 382, T replaced by C.
Protein change: p.Cys128Arg; replaces cysteine 128 with arginine.
Molecular consequence: missense variant.
Genome position (GRCh38, 1-based): chr2:232,541,405, T>C. VCF-style: chr2-232541405-T-C. GRCh37 (hg19) VCF-style: chr2-233406115-T-C.
Other names: short protein forms C128R.
Identifiers: ClinVar variation 3358091 (VCV003358091.1).